The following is an entry in ClinVar:

NM_020919.4(ALS2):c.1102G>A (p.Val368Met)

Gene: ALS2 (alsin Rho guanine nucleotide exchange factor ALS2; minus strand). Cytogenetic location: 2q33.1.
Variant type: single nucleotide variant.
Coding change: c.1102G>A on transcript NM_020919.4 (MANE Select); coding-DNA position 1102, G replaced by A.
Protein change: p.Val368Met; replaces valine 368 with methionine.
Molecular consequence: missense variant.
Genome position (GRCh38, 1-based): chr2:201,760,892, C>T on the plus strand (G>A on the coding strand, the complement: ALS2 is on the minus strand). VCF-style: chr2-201760892-C-T. GRCh37 (hg19) VCF-style: chr2-202625615-C-T.
Other names: c.1102G>A, p.Val368Met (NM_001135745.2); short protein forms V368M.
Identifiers: ClinVar variation 261364 (VCV000261364.31), dbSNP rs3219156, ClinGen allele CA2058548.

ClinVar aggregate classification (germline): Benign. Review status: criteria provided, multiple submitters, no conflicts (2 of 4 stars). 18 submissions from 15 submitters: Benign (12). 6 of the submissions do not count toward it. Last evaluated 2026-02-04.

Conditions:
ALS2-related disorder. Also called: ALS2-Related Spectrum Disorders; ALS2-related disorders; ALS2-related condition. Identifiers: MedGen CN169291.
Infantile-onset ascending hereditary spastic paralysis (IAHSP). Also called: Autosomal Recessive Juvenile Amyotrophic Lateral Sclerosis; Infantile-Onset Ascending Hereditary Spastic Paralysis (IAHSP). Identifiers: Orphanet 293168, MedGen C2931441, MONDO:0011797, OMIM 607225. Disease mechanism: loss of function.
Amyotrophic lateral sclerosis type 2, juvenile. Also called: ALS, JUVENILE; Amyotrophic lateral sclerosis type 2. Identifiers: Orphanet 300605, MedGen C1859807, MONDO:0008780, OMIM 205100.
Juvenile primary lateral sclerosis (PLSJ). Also called: Juvenile Primary Lateral Sclerosis (JPLS). Identifiers: Orphanet 247604, MedGen C1853396, MONDO:0011663, OMIM 606353.

Allele frequency attached by ClinVar (database versions not stated): ESP Exome Variant Server 0.86145; gnomAD 0.86916 and 0.87464; TOPMed 0.86976; 1000 Genomes Project 30x 0.89288; 1000 Genomes Project 0.89657; gnomAD exomes 0.90503 and 0.91333; ExAC 0.91060.
gnomAD v4.1: 1,454,645 of 1,612,470 alleles (90%); highest among the groups gnomAD compares: East Asian, 100%; 657,112 homozygotes.

Submissions (18):

Labcorp Genetics (formerly Invitae), Labcorp
Classification: Benign for Infantile-onset ascending hereditary spastic paralysis. Last evaluated: 2026-02-04. Review status: criteria provided, single submitter. Criteria: Invitae Variant Classification Sherloc (09022015). Collection method: clinical testing. Allele origin: germline.

Blueprint Genetics
Classification: Benign. Last evaluated: 2024-11-26. Review status: criteria provided, single submitter. Criteria: ACMG Guidelines, 2015. Collection method: clinical testing. Allele origin: germline.

Genome-Nilou Lab
Classification: Benign for Amyotrophic lateral sclerosis type 2, juvenile. Last evaluated: 2021-07-14. Review status: criteria provided, single submitter. Criteria: ACMG Guidelines, 2015. Collection method: clinical testing. Allele origin: germline. Affected: no.

Genome-Nilou Lab
Classification: Benign for Juvenile primary lateral sclerosis. Last evaluated: 2021-07-14. Review status: criteria provided, single submitter. Criteria: ACMG Guidelines, 2015. Collection method: clinical testing. Allele origin: germline. Affected: no.

Genome-Nilou Lab
Classification: Benign for Infantile-onset ascending hereditary spastic paralysis. Last evaluated: 2021-07-14. Review status: criteria provided, single submitter. Criteria: ACMG Guidelines, 2015. Collection method: clinical testing. Allele origin: germline. Affected: no.

GeneDx
Classification: Benign. Last evaluated: 2018-07-06. Review status: criteria provided, single submitter. Criteria: GeneDx Variant Classification Process June 2021. Collection method: clinical testing. Allele origin: germline. Affected: yes.

Illumina Laboratory Services, Illumina
Classification: Benign for ALS2-Related Disorders. Last evaluated: 2018-01-12. Review status: criteria provided, single submitter. Criteria: ICSL Variant Classification Criteria 13 December 2019. Collection method: clinical testing. Allele origin: germline.
Comment: This variant was observed in the ICSL laboratory as part of a predisposition screen in an ostensibly healthy population. It had not been previously curated by ICSL or reported in the Human Gene Mutation Database (HGMD: prior to June 1st, 2018), and was therefore a candidate for classification through an automated scoring system. Utilizing variant allele frequency, disease prevalence and penetrance estimates, and inheritance mode, an automated score was calculated to assess if this variant is too frequent to cause the disease. Based on the score and internal cut-off values, a variant classified as benign is not then subjected to further curation. The score for this variant resulted in a classification of benign for this disease.

Illumina Laboratory Services, Illumina
Classification: Benign for Amyotrophic lateral sclerosis type 2. Last evaluated: 2018-01-12. Review status: criteria provided, single submitter. Criteria: ICSL Variant Classification Criteria 13 December 2019. Collection method: clinical testing. Allele origin: germline.
Comment: the same text as in the submission from Illumina Laboratory Services, Illumina above.

Athena Diagnostics
Classification: Benign. Last evaluated: 2017-11-17. Review status: criteria provided, single submitter. Criteria: Athena Diagnostics Criteria. Collection method: clinical testing. Allele origin: germline.

Mayo Clinic Laboratories, Mayo Clinic
Classification: Benign. Last evaluated: 2017-07-20. Review status: criteria provided, single submitter. Criteria: ACMG Guidelines, 2015. Collection method: clinical testing. Allele origin: germline. Observed: 1,247 variant alleles.

Breakthrough Genomics
Classification: Benign. Review status: criteria provided, single submitter. Criteria: ACMG Guidelines, 2015. Collection method: not provided. Allele origin: germline. Inheritance: Autosomal recessive inheritance. Affected: yes.

PreventionGenetics, part of Exact Sciences
Classification: Benign. Review status: criteria provided, single submitter. Criteria: ACMG Guidelines, 2015. Collection method: clinical testing. Allele origin: germline.

Clinical Genetics DNA and cytogenetics Diagnostics Lab, Erasmus MC, Erasmus Medical Center
Classification: Benign. Review status: no assertion criteria provided. Collection method: clinical testing. Allele origin: germline. Affected: yes. Study: VKGL Data-share Consensus. Not counted in ClinVar's aggregate classification.

Clinical Genetics, Academic Medical Center
Classification: Benign. Review status: no assertion criteria provided. Collection method: clinical testing. Allele origin: germline. Affected: yes. Study: VKGL Data-share Consensus. Not counted in ClinVar's aggregate classification.

Diagnostic Laboratory, Department of Genetics, University Medical Center Groningen
Classification: Benign. Review status: no assertion criteria provided. Collection method: clinical testing. Allele origin: germline. Affected: yes. Study: VKGL Data-share Consensus. Not counted in ClinVar's aggregate classification.

Genome Diagnostics Laboratory, Amsterdam University Medical Center
Classification: Benign. Review status: no assertion criteria provided. Collection method: clinical testing. Allele origin: germline. Affected: yes. Study: VKGL Data-share Consensus. Not counted in ClinVar's aggregate classification.

Genome Diagnostics Laboratory, University Medical Center Utrecht
Classification: Benign. Review status: no assertion criteria provided. Collection method: clinical testing. Allele origin: germline. Affected: yes. Study: VKGL Data-share Consensus. Not counted in ClinVar's aggregate classification.

Joint Genome Diagnostic Labs from Nijmegen and Maastricht, Radboudumc and MUMC+
Classification: Benign. Review status: no assertion criteria provided. Collection method: clinical testing. Allele origin: germline. Affected: yes. Study: VKGL Data-share Consensus. Not counted in ClinVar's aggregate classification.